The following is an entry in ClinVar:

ClinVar aggregate classification (germline): Likely benign. Review status: criteria provided, multiple submitters, no conflicts (2 of 4 stars). 5 submissions from 5 submitters: Likely benign (5). Last evaluated 2026-09-01.

Conditions:
Combined immunodeficiency due to MALT1 deficiency. Also called: Immunodeficiency 12. Identifiers: Orphanet 397964, MedGen C3809583, MONDO:0014197, OMIM 615468.

Allele frequency attached by ClinVar (database versions not stated): TOPMed 0.00064; ESP Exome Variant Server 0.00069; ExAC 0.00074; gnomAD exomes 0.00076 and 0.00078; gnomAD 0.00094 and 0.00101.
gnomAD v4.1: 1,244 of 1,596,824 alleles (0.078%); highest among the groups gnomAD compares: Non-Finnish European, 0.09%; no homozygotes.

Submissions (5):

CeGaT Center for Human Genetics Tuebingen
Classification: Likely benign. Last evaluated: 2026-09-01. Review status: criteria provided, single submitter. Criteria: CeGaT Center For Human Genetics Tuebingen Variant Classification Criteria Version 2. Collection method: clinical testing. Allele origin: germline. Affected: yes. Observed: 3 variant alleles.
Comment: MALT1: BP4

Women's Health and Genetics/Laboratory Corporation of America, LabCorp
Classification: Likely benign. Last evaluated: 2026-04-23. Review status: criteria provided, single submitter. Criteria: LabCorp Variant Classification Summary - May 2015. Collection method: clinical testing. Allele origin: germline.
Comment: Variant summary: MALT1 c.677A>G (p.Lys226Arg) results in a conservative amino acid change in the encoded protein sequence. Algorithms developed to predict the effect of missense changes on protein structure and function all suggest that this variant is likely to be tolerated. The variant allele was found at a frequency of 0.00076 in 240832 control chromosomes, predominantly at a frequency of 0.0012 within the Non-Finnish European subpopulation in the gnomAD database. The observed variant frequency within Non-Finnish European control individuals in the gnomAD database exceeds the estimated maximal expected allele frequency for disease-causing variants in MALT1. c.677A>G has been observed as heterozygous in an individual affected with Combined immunodeficiency due to MALT1 deficiency without detection of the second allele change (Benetti_2020). These report(s) do not provide unequivocal conclusions about association of the variant with Combined immunodeficiency due to MALT1 deficiency. To our knowledge, no experimental evidence demonstrating an impact on protein function has been reported. The following publication have been ascertained in the context of this evaluation (PMID: 33206719). ClinVar contains an entry for this variant (Variation ID: 474599). Based on the evidence outlined above, the variant was classified as likely benign.

Labcorp Genetics (formerly Invitae), Labcorp
Classification: Likely benign for Combined immunodeficiency due to MALT1 deficiency. Last evaluated: 2026-01-20. Review status: criteria provided, single submitter. Criteria: Invitae Variant Classification Sherloc (09022015). Collection method: clinical testing. Allele origin: germline.

Blueprint Genetics
Classification: Likely benign. Last evaluated: 2024-11-26. Review status: criteria provided, single submitter. Criteria: ACMG Guidelines, 2015. Collection method: clinical testing. Allele origin: germline.

Breakthrough Genomics
Classification: Likely benign. Review status: criteria provided, single submitter. Criteria: ACMG Guidelines, 2015. Collection method: not provided. Allele origin: germline. Inheritance: Autosomal recessive inheritance. Affected: yes.

Literature cited by the submitters: PubMed 33206719 (cited by Women's Health and Genetics/Laboratory Corporation of America, LabCorp).

NM_006785.4(MALT1):c.677A>G (p.Lys226Arg)

Gene: MALT1 (MALT1 paracaspase; plus strand). Cytogenetic location: 18q21.32.
Variant type: single nucleotide variant.
Coding change: c.677A>G on transcript NM_006785.4 (MANE Select); coding-DNA position 677, A replaced by G.
Protein change: p.Lys226Arg; replaces lysine 226 with arginine.
Molecular consequence: missense variant.
Genome position (GRCh38, 1-based): chr18:58,709,405, A>G. VCF-style: chr18-58709405-A-G. GRCh37 (hg19) VCF-style: chr18-56376637-A-G.
Other names: c.677A>G, p.Lys226Arg (LRG_1221t1, NM_173844.3); short protein forms K226R.
Identifiers: ClinVar variation 474599 (VCV000474599.27), dbSNP rs149988025, ClinGen allele CA8977700.
Genomic context (GRCh38, chr18:58,709,405, plus strand): 5'-ACCTAGAGATTTTATTTTTTCTTTTAATTTAAGGAAGTGTTGATGGCGTCTCTGAATCCA[A>G]GTTGCAAATCTGTGTTGAACCAACTTCCCAAAAGCTGATGCCAGGCAGCACATTGGTTTT-3'
Protein context (NP_006776.1, residues 216-236): QRSVDGVSES[Lys226Arg]LQICVEPTSQ